The following is an entry in ClinVar:

NM_006767.4(LZTR1):c.994-18T>C

Gene: LZTR1 (leucine zipper like post translational regulator 1; plus strand). Cytogenetic location: 22q11.21.
Variant type: single nucleotide variant.
Coding change: c.994-18T>C on transcript NM_006767.4 (MANE Select); 18 bases into the intron before coding-DNA position 994, T replaced by C.
Molecular consequence: intron variant.
Genome position (GRCh38, 1-based): chr22:20,992,196, T>C. VCF-style: chr22-20992196-T-C. GRCh37 (hg19) VCF-style: chr22-21346485-T-C.
Identifiers: ClinVar variation 379413 (VCV000379413.19), dbSNP rs112544, ClinGen allele CA10118688.
Genomic context (GRCh38, chr22:20,992,196, plus strand): 5'-GCCAGGATGGTGGGGGTCTCTGGGCACCTACCTGGCCCTTGCCAACTGGTCTCATGCCCA[T>C]GTGTCTCCCCTCTTCAGGTTGGTGGGGCTGAAGTGCCCGAGCGAGCCTGTGCTTCCGAGG-3'

ClinVar aggregate classification (germline): Benign. Review status: criteria provided, multiple submitters, no conflicts (2 of 4 stars). 9 submissions from 9 submitters: Benign (6). 3 of the submissions do not count toward it. Last evaluated 2026-02-04.

Conditions:
Cardiovascular phenotype. Identifiers: MedGen CN230736.
Hereditary cancer-predisposing syndrome. Also called: Tumor predisposition; Neoplastic Syndromes, Hereditary; Hereditary neoplastic syndrome; Hereditary Cancer Syndrome. Identifiers: Orphanet 140162, MedGen C0027672, MeSH D009386, MONDO:0015356.

Allele frequency attached by ClinVar (database versions not stated): 1000 Genomes Project 0.64397; 1000 Genomes Project 30x 0.64897; gnomAD exomes 0.70570; ExAC 0.70703; gnomAD 0.71298 and 0.71870; TOPMed 0.72210; ESP Exome Variant Server 0.73120.
gnomAD v4.1: 1,197,569 of 1,608,438 alleles (74%); highest among the groups gnomAD compares: Non-Finnish European, 77%; 448,925 homozygotes.

Submissions (9):

Labcorp Genetics (formerly Invitae), Labcorp
Classification: Benign. Last evaluated: 2026-02-04. Review status: criteria provided, single submitter. Criteria: Invitae Variant Classification Sherloc (09022015). Collection method: clinical testing. Allele origin: germline.

Blueprint Genetics
Classification: Benign. Last evaluated: 2024-11-28. Review status: criteria provided, single submitter. Criteria: ACMG Guidelines, 2015. Collection method: clinical testing. Allele origin: germline.

Ambry Genetics
Classification: Benign for Cardiovascular phenotype; Hereditary cancer-predisposing syndrome. Last evaluated: 2020-07-28. Review status: criteria provided, single submitter. Criteria: Ambry Variant Classification Scheme 2023. Collection method: clinical testing. Allele origin: germline.

Women's Health and Genetics/Laboratory Corporation of America, LabCorp
Classification: Benign. Last evaluated: 2017-07-11. Review status: criteria provided, single submitter. Criteria: LabCorp Variant Classification Summary - May 2015. Collection method: clinical testing. Allele origin: germline.
Comment: Variant summary: The LZTR1 c.994-18T>C variant involves the alteration of a non-conserved intronic nucleotide. One in silico tool predicts a benign outcome for this variant. 5/5 splice prediction tools predict no significant impact on normal splicing. However, these predictions have yet to be confirmed by functional studies. This variant was found in 84926/120116 control chromosomes (30306 homozygotes) from ExAC at a frequency of 0.7070332, which is approximately 141406 times the estimated maximal expected allele frequency of a pathogenic LZTR1 variant (0.000005), thus allele T is the major allele at this position. One clinical diagnostic laboratory (via ClinVar) has classified this variant as benign. Therefore based on the allele frequency in general population, this variant is classified as benign.

GeneDx
Classification: Benign. Last evaluated: 2016-09-25. Review status: criteria provided, single submitter. Criteria: GeneDx Variant Classification (06012015). Collection method: clinical testing. Allele origin: germline. Affected: yes.
Comment: This variant is considered likely benign or benign based on one or more of the following criteria: it is a conservative change, it occurs at a poorly conserved position in the protein, it is predicted to be benign by multiple in silico algorithms, and/or has population frequency not consistent with disease.

Breakthrough Genomics
Classification: Benign. Review status: criteria provided, single submitter. Criteria: ACMG Guidelines, 2015. Collection method: not provided. Allele origin: germline. Inheritance: Autosomal recessive inheritance. Affected: yes.

Clinical Genetics DNA and cytogenetics Diagnostics Lab, Erasmus MC, Erasmus Medical Center
Classification: Benign. Review status: no assertion criteria provided. Collection method: clinical testing. Allele origin: germline. Affected: yes. Study: VKGL Data-share Consensus. Not counted in ClinVar's aggregate classification.

Clinical Genetics, Academic Medical Center
Classification: Benign. Review status: no assertion criteria provided. Collection method: clinical testing. Allele origin: germline. Affected: yes. Study: VKGL Data-share Consensus. Not counted in ClinVar's aggregate classification.

Joint Genome Diagnostic Labs from Nijmegen and Maastricht, Radboudumc and MUMC+
Classification: Benign. Review status: no assertion criteria provided. Collection method: clinical testing. Allele origin: germline. Affected: yes. Study: VKGL Data-share Consensus. Not counted in ClinVar's aggregate classification.